The following is an entry in ClinVar:

ClinVar aggregate classification (germline): Conflicting classifications of pathogenicity. Review status: criteria provided, conflicting classifications (1 of 4 stars). 6 submissions from 6 submitters: Uncertain significance (5); Likely benign (1). Last evaluated 2024-05-15.

Conditions:
Hereditary cancer-predisposing syndrome. Also called: Hereditary neoplastic syndrome; Tumor predisposition; Hereditary Cancer Syndrome; Neoplastic Syndromes, Hereditary. Identifiers: Orphanet 140162, MedGen C0027672, MeSH D009386, MONDO:0015356.
Hereditary breast ovarian cancer syndrome. Also called: BRCA1- and BRCA2-Associated Hereditary Breast and Ovarian Cancer; Hereditary breast and ovarian cancer syndrome (HBOC); Hereditary breast and/or ovarian cancer syndrome; Hereditary breast and ovarian cancer syndrome; Hereditary breast and ovarian cancer; Breast and ovarian cancer. Identifiers: Orphanet 145, MedGen C0677776, MeSH D061325, MONDO:0003582. Disease mechanism: loss of function.

Allele frequency attached by ClinVar (database versions not stated): gnomAD exomes below 0.00001.
gnomAD v4.1: 2 of 1,610,900 alleles (0.00012%); highest among the groups gnomAD compares: Non-Finnish European, 0.00017%; no homozygotes.

Submissions (6):

Labcorp Genetics (formerly Invitae), Labcorp
Classification: Uncertain significance for Hereditary breast ovarian cancer syndrome. Last evaluated: 2024-05-15. Review status: criteria provided, single submitter. Criteria: Invitae Variant Classification Sherloc (09022015). Collection method: clinical testing. Allele origin: germline.
Comment: This sequence change replaces lysine, which is basic and polar, with glutamic acid, which is acidic and polar, at codon 1374 of the BRCA2 protein (p.Lys1374Glu). This variant is not present in population databases (gnomAD no frequency). This variant has not been reported in the literature in individuals affected with BRCA2-related conditions. ClinVar contains an entry for this variant (Variation ID: 219505). Advanced modeling of protein sequence and biophysical properties (such as structural, functional, and spatial information, amino acid conservation, physicochemical variation, residue mobility, and thermodynamic stability) performed at Invitae indicates that this missense variant is not expected to disrupt BRCA2 protein function with a negative predictive value of 95%. In summary, the available evidence is currently insufficient to determine the role of this variant in disease. Therefore, it has been classified as a Variant of Uncertain Significance.

Women's Health and Genetics/Laboratory Corporation of America, LabCorp
Classification: Uncertain significance. Last evaluated: 2023-11-14. Review status: criteria provided, single submitter. Criteria: LabCorp Variant Classification Summary - May 2015. Collection method: clinical testing. Allele origin: germline.

Ambry Genetics
Classification: Uncertain significance for Hereditary cancer-predisposing syndrome. Last evaluated: 2023-10-15. Review status: criteria provided, single submitter. Criteria: Ambry Variant Classification Scheme 2023. Collection method: clinical testing. Allele origin: germline.
Comment: The p.K1374E variant (also known as c.4120A>G), located in coding exon 10 of the BRCA2 gene, results from an A to G substitution at nucleotide position 4120. The lysine at codon 1374 is replaced by glutamic acid, an amino acid with similar properties. This amino acid position is not well conserved in available vertebrate species. In addition, this alteration is predicted to be tolerated by in silico analysis. Since supporting evidence is limited at this time, the clinical significance of this alteration remains unclear.

University of Washington Department of Laboratory Medicine, University of Washington
Classification: Likely benign for Hereditary cancer-predisposing syndrome. Last evaluated: 2023-03-23. Review status: criteria provided, single submitter. Criteria: Dines et al. (Genet Med. 2020). Collection method: curation. Allele origin: germline.
Comment: Missense variant in a coldspot region where missense variants are very unlikely to be pathogenic (PMID:31911673).

BRCA2 exon 11 coldspot. Reclassification based on statistical prior probability.

Color Diagnostics, LLC DBA Color Health
Classification: Uncertain significance for Hereditary cancer-predisposing syndrome. Last evaluated: 2021-11-18. Review status: criteria provided, single submitter. Criteria: ACMG Guidelines, 2015. Collection method: clinical testing. Allele origin: germline.
Comment: This missense variant replaces lysine with glutamic acid at codon 1374 of the BRCA2 protein. Computational prediction suggests that this variant may not impact protein structure and function (internally defined REVEL score threshold <= 0.5, PMID: 27666373). To our knowledge, functional studies have not been reported for this variant nor has this variant been reported in individuals affected with hereditary cancer in the literature. A multifactorial analysis has reported a co-occurrence and family history likelihood ratios for pathogenicity of 1.0246 and 1.2268, respectively (PMID: 31131967). This variant has not been identified in the general population by the Genome Aggregation Database (gnomAD). The available evidence is insufficient to determine the role of this variant in disease conclusively. Therefore, this variant is classified as a Variant of Uncertain Significance.

GeneDx
Classification: Uncertain significance. Last evaluated: 2014-12-09. Review status: criteria provided, single submitter. Criteria: GeneDx Variant Classification (06012015). Collection method: clinical testing. Allele origin: germline. Affected: yes.
Comment: This variant is denoted BRCA2 c.4120A>G at the cDNA level, p.Lys1374Glu (K1374E) at the protein level, and results in the change of a Lysine to a Glutamic Acid (AAG>GAG). Using legacy nomenclature, this variant would be defined as BRCA2 4348A>G. This variant has not, to our knowledge, been published in the literature as pathogenic or benign. BRCA2 Lys1374Glu was not observed in approximately 6,500 individuals of European and African American ancestry in the NHLBI Exome Sequencing Project, indicating it is not a common benign variant in these populations. Since Lysine and Glutamic Acid differ in polarity, charge, size or other properties, this is considered a non-conservative amino acid substitution. BRCA2 Lys1374Glu occurs at a position that is moderately conserved across species and is located in the region between the BRC repeats 2 and 3 (Narod 2004, Roy 2012). In silico analyses predict that this variant is unlikely to alter protein structure or function. Based on currently available information, it is unclear whether BRCA2 Lys1374Glu is pathogenic or benign. We consider it to be a variant of uncertain significance.

Literature cited by the submitters: PubMed 31131967 (cited by Color Diagnostics, LLC DBA Color Health).

NM_000059.4(BRCA2):c.4120A>G (p.Lys1374Glu)

Gene: BRCA2 (BRCA2 DNA repair associated; plus strand). Cytogenetic location: 13q13.1.
Variant type: single nucleotide variant.
Coding change: c.4120A>G on transcript NM_000059.4 (MANE Select); coding-DNA position 4120, A replaced by G.
Protein change: p.Lys1374Glu; replaces lysine 1374 with glutamic acid.
Molecular consequence: missense variant.
Genome position (GRCh38, 1-based): chr13:32,338,475, A>G. VCF-style: chr13-32338475-A-G. GRCh37 (hg19) VCF-style: chr13-32912612-A-G.
Other names: short protein forms K1374E.
Identifiers: ClinVar variation 219505 (VCV000219505.23), dbSNP rs864622126, ClinGen allele CA349211.